The following is an entry in ClinVar:

ClinVar aggregate classification (germline): Uncertain significance (1 of 4 stars; one submission).

Conditions:
Autism spectrum disorder due to AUTS2 deficiency (MRD26). Also called: INTELLECTUAL DEVELOPMENTAL DISORDER, AUTOSOMAL DOMINANT 26. Identifiers: Orphanet 352490, MedGen C4014435, MONDO:0014361, OMIM 615834.

Submission:

Laboratorio de Genetica e Diagnostico Molecular, Hospital Israelita Albert Einstein
Classification: Uncertain significance for Autism spectrum disorder due to AUTS2 deficiency. Last evaluated: 2024-09-05. Review status: criteria provided, single submitter. Criteria: ACMG Guidelines, 2015. Collection method: clinical testing. Allele origin: germline. Affected: yes.
Comment: ACMG classification criteria: PM2 supporting, BP4 supporting

NM_015570.4(AUTS2):c.572G>T (p.Ser191Ile)

Gene: AUTS2 (activator of transcription and developmental regulator AUTS2; plus strand). Cytogenetic location: 7q11.22.
Variant type: single nucleotide variant.
Coding change: c.572G>T on transcript NM_015570.4 (MANE Select); coding-DNA position 572, G replaced by T.
Protein change: p.Ser191Ile; replaces serine 191 with isoleucine.
Molecular consequence: missense variant.
Genome position (GRCh38, 1-based): chr7:70,118,181, G>T. VCF-style: chr7-70118181-G-T. GRCh37 (hg19) VCF-style: chr7-69583167-G-T.
Other names: c.572G>T, p.Ser191Ile (NM_001127231.3, NM_001127232.3); short protein forms S191I.
Identifiers: ClinVar variation 3901014 (VCV003901014.1).